The following is an entry in ClinVar:

ClinVar aggregate classification (germline): Uncertain significance. Review status: criteria provided, multiple submitters, no conflicts (2 of 4 stars). 2 submissions from 2 submitters: Uncertain significance (2). Last evaluated 2024-02-23.

Conditions:
Arterial calcification, generalized, of infancy, 2. Identifiers: Orphanet 51608, MedGen C3276161, MONDO:0013768, OMIM 614473.
Autosomal recessive inherited pseudoxanthoma elasticum (PXE). Identifiers: Orphanet 758, MedGen CN032334, MONDO:0009925, OMIM 264800.
Pseudoxanthoma elasticum, forme fruste. Also called: Pseudoxanthoma Elasticum, Incomplete; PSEUDOXANTHOMA ELASTICUM, HETEROZYGOUS. Identifiers: Orphanet 758, MedGen C1867450, MONDO:0008333, OMIM 177850.

Allele frequency attached by ClinVar (database versions not stated): gnomAD exomes 0.00001; TOPMed 0.00003.

Submissions (2):

Fulgent Genetics
Classification: Uncertain significance for Pseudoxanthoma elasticum, forme fruste; Autosomal recessive inherited pseudoxanthoma elasticum; Arterial calcification, generalized, of infancy, 2. Last evaluated: 2024-02-23. Review status: criteria provided, single submitter. Criteria: ACMG Guidelines, 2015. Collection method: clinical testing. Allele origin: germline.

Labcorp Genetics (formerly Invitae), Labcorp
Classification: Uncertain significance. Last evaluated: 2022-03-10. Review status: criteria provided, single submitter. Criteria: Invitae Variant Classification Sherloc (09022015). Collection method: clinical testing. Allele origin: germline.
Comment: This sequence change replaces serine, which is neutral and polar, with cysteine, which is neutral and slightly polar, at codon 1031 of the ABCC6 protein (p.Ser1031Cys). This variant is not present in population databases (gnomAD no frequency). This variant has not been reported in the literature in individuals affected with ABCC6-related conditions. Advanced modeling of protein sequence and biophysical properties (such as structural, functional, and spatial information, amino acid conservation, physicochemical variation, residue mobility, and thermodynamic stability) performed at Invitae indicates that this missense variant is not expected to disrupt ABCC6 protein function. In summary, the available evidence is currently insufficient to determine the role of this variant in disease. Therefore, it has been classified as a Variant of Uncertain Significance.

NM_001171.6(ABCC6):c.3092C>G (p.Ser1031Cys)

Gene: ABCC6 (ATP binding cassette subfamily C member 6; minus strand). Cytogenetic location: 16p13.11.
Variant type: single nucleotide variant.
Coding change: c.3092C>G on transcript NM_001171.6 (MANE Select); coding-DNA position 3092, C replaced by G.
Protein change: p.Ser1031Cys; replaces serine 1031 with cysteine.
Molecular consequence: missense variant. On other transcripts: non-coding transcript variant (1).
Genome position (GRCh38, 1-based): chr16:16,165,837, G>C on the plus strand (C>G on the coding strand, the complement: ABCC6 is on the minus strand). VCF-style: chr16-16165837-G-C. GRCh37 (hg19) VCF-style: chr16-16259694-G-C.
Other names: c.2750C>G, p.Ser917Cys (NM_001351800.1); short protein forms S917C, S1031C.
Identifiers: ClinVar variation 1469836 (VCV001469836.4), dbSNP rs998685024, ClinGen allele CA278633207.
Genomic context (GRCh38, chr16:16,165,837, plus strand): 5'-TCCTTGGAGAAGCGGTTTAGCAGGTGACCAATGGGTGTCCGCTCAAAGAAGCTGATGGGA[G>C]ATCGCACCACATCCCACAGGAGCCTCTGGAAGAGCAACCTGGATGCCCGGGCCCCACCTA-3'
Protein context (NP_001162.5, residues 1021-1041): FQRLLWDVVR[Ser1031Cys]PISFFERTPI